The following is an entry in ClinVar:

ClinVar aggregate classification (germline): Likely pathogenic (1 of 4 stars; one submission).

Submission:

GeneDx
Classification: Likely pathogenic. Last evaluated: 2019-03-01. Review status: criteria provided, single submitter. Criteria: GeneDx Variant Classification (06012015). Collection method: clinical testing. Allele origin: germline. Affected: yes.
Comment: The c.253_254delGT variant in the DENND5A gene has not been reported previously as a pathogenic variant nor as a benign variant, to our knowledge. The c.253_254delGT variant causes a frameshift starting with codon Valine 85, changes this amino acid to an Arginine residue, and creates a premature Stop codon at position 6 of the new reading frame, denoted p.Val85ArgfsX6. This variant is predicted to cause loss of normal protein function either through protein truncation or nonsense-mediated mRNA decay. The c.253_254delGT variant is not observed in large population cohorts (Lek et al., 2016). We interpret c.253_254delGT as a likely pathogenic variant.

NM_015213.4(DENND5A):c.253_254del (p.Val85fs)

Gene: DENND5A (DENN domain containing 5A; minus strand). Cytogenetic location: 11p15.4.
Variant type: Deletion.
Coding change: c.253_254del on transcript NM_015213.4 (MANE Select); coding-DNA positions 253 to 254, 2 bases deleted (GT; older notation c.253_254delGT).
Protein change: p.Val85fs; shifts the reading frame from valine 85.
Molecular consequence: frameshift variant. On other transcripts: 5 prime UTR variant (1), non-coding transcript variant (1).
Genome position (GRCh38, 1-based): chr11:9,206,710-9,206,711, AC deleted on the plus strand (GT on the coding strand, the reverse complement: DENND5A is on the minus strand). VCF-style (leftmost placement, unchanged base first): chr11-9206709-TAC-T. GRCh37 (hg19) VCF-style: chr11-9228256-TAC-T.
Other names: c.253_254del, p.Val85fs (NM_001243254.2); c.181_182del, p.Val61fs (NM_001348749.2); c.-36_-35del (NM_001348750.2); short protein forms V85fs, V61fs.
Identifiers: ClinVar variation 818015 (VCV000818015.1), dbSNP rs1590275695, ClinGen allele CA915948099.